The following is an entry in ClinVar:

NM_001256114.2(LHX8):c.741A>G (p.Lys247=)

Gene: LHX8 (LIM homeobox 8; plus strand). Cytogenetic location: 1p31.1.
Variant type: single nucleotide variant.
Coding change: c.741A>G on transcript NM_001256114.2 (MANE Select); coding-DNA position 741, A replaced by G.
Protein change: p.Lys247=; no amino-acid change (lysine 247 retained).
Molecular consequence: synonymous variant.
Genome position (GRCh38, 1-based): chr1:75,148,643, A>G. VCF-style: chr1-75148643-A-G. GRCh37 (hg19) VCF-style: chr1-75614328-A-G.
Other names: c.771A>G, p.Lys257= (NM_001001933.1).
Identifiers: ClinVar variation 3044949 (VCV003044949.2), dbSNP rs775503552, ClinGen allele CA911979.

ClinVar aggregate classification (germline): Likely benign (0 of 4 stars; one submission).

Conditions:
LHX8-related disorder. Also called: LHX8-related condition.

Allele frequency attached by ClinVar (database versions not stated): gnomAD 0.00002; gnomAD exomes 0.00005; ExAC 0.00014.
gnomAD v4.1: 78 of 1,613,898 alleles (0.0048%); highest among the groups gnomAD compares: South Asian, 0.081%; 1 homozygote.

Submission:

PreventionGenetics, part of Exact Sciences
Classification: Likely benign for LHX8-related condition. Last evaluated: 2019-06-08. Review status: no assertion criteria provided. Collection method: clinical testing. Allele origin: germline.
Comment: This variant is classified as likely benign based on ACMG/AMP sequence variant interpretation guidelines (Richards et al. 2015 PMID: 25741868, with internal and published modifications).